The following is an entry in ClinVar:

NM_004385.5(VCAN):c.1433T>A (p.Val478Glu)

Gene: VCAN (versican; plus strand). Cytogenetic location: 5q14.3.
Variant type: single nucleotide variant.
Coding change: c.1433T>A on transcript NM_004385.5 (MANE Select); coding-DNA position 1433, T replaced by A.
Protein change: p.Val478Glu; replaces valine 478 with glutamic acid.
Molecular consequence: missense variant. On other transcripts: intron variant (2).
Genome position (GRCh38, 1-based): chr5:83,519,739, T>A. VCF-style: chr5-83519739-T-A. GRCh37 (hg19) VCF-style: chr5-82815558-T-A.
Other names: c.1433T>A, p.Val478Glu (NM_001164098.2); c.1042+7343T>A (NM_001164097.2, NM_001126336.3); short protein forms V478E.
Identifiers: ClinVar variation 4799709 (VCV004799709.1).

ClinVar aggregate classification (germline): Uncertain significance (1 of 4 stars; one submission).

gnomAD v4.1: 1 of 1,614,102 alleles (0.000062%); highest among the groups gnomAD compares: Non-Finnish European, 0.000085%; no homozygotes.

Submission:

Labcorp Genetics (formerly Invitae), Labcorp
Classification: Uncertain significance. Last evaluated: 2026-01-01. Review status: criteria provided, single submitter. Criteria: Invitae Variant Classification Sherloc (09022015). Collection method: clinical testing. Allele origin: germline.
Comment: This sequence change replaces valine, which is neutral and non-polar, with glutamic acid, which is acidic and polar, at codon 478 of the VCAN protein (p.Val478Glu). This variant is not present in population databases (gnomAD no frequency). This variant has not been reported in the literature in individuals affected with VCAN-related conditions. An algorithm developed to predict the effect of missense changes on protein structure and function (PolyPhen-2) suggests that this variant is likely to be tolerated. In summary, the available evidence is currently insufficient to determine the role of this variant in disease. Therefore, it has been classified as a Variant of Uncertain Significance.